The following is an entry in ClinVar:

NM_001375567.1(FOCAD):c.2441C>T (p.Pro814Leu)

Gene: FOCAD (focadhesin; plus strand). Cytogenetic location: 9p21.3.
Variant type: single nucleotide variant.
Coding change: c.2441C>T on transcript NM_001375567.1 (MANE Select); coding-DNA position 2441, C replaced by T.
Protein change: p.Pro814Leu; replaces proline 814 with leucine.
Molecular consequence: missense variant.
Genome position (GRCh38, 1-based): chr9:20,881,994, C>T. VCF-style: chr9-20881994-C-T. GRCh37 (hg19) VCF-style: chr9-20881993-C-T.
Other names: c.2336C>T, p.Pro779Leu (NM_001375568.1, NM_001375570.1); c.2441C>T, p.Pro814Leu (NM_017794.5); c.2441C>T (NM_017794.3); short protein forms P814L, P779L.
Identifiers: ClinVar variation 3631077 (VCV003631077.3).

ClinVar aggregate classification (germline): Uncertain significance. Review status: criteria provided, multiple submitters, no conflicts (2 of 4 stars). 2 submissions from 2 submitters: Uncertain significance (2). Last evaluated 2025-07-06.

Conditions:
Inborn genetic diseases. Identifiers: MedGen C0950123, MeSH D030342.

Submissions (2):

Labcorp Genetics (formerly Invitae), Labcorp
Classification: Uncertain significance. Last evaluated: 2025-07-06. Review status: criteria provided, single submitter. Criteria: Invitae Variant Classification Sherloc (09022015). Collection method: clinical testing. Allele origin: germline.
Comment: This sequence change replaces proline, which is neutral and non-polar, with leucine, which is neutral and non-polar, at codon 814 of the FOCAD protein (p.Pro814Leu). This variant is present in population databases (rs377182907, gnomAD 0.03%). This variant has not been reported in the literature in individuals affected with FOCAD-related conditions. ClinVar contains an entry for this variant (Variation ID: 3631077). Experimental studies and prediction algorithms are not available or were not evaluated, and the functional significance of this variant is currently unknown. In summary, the available evidence is currently insufficient to determine the role of this variant in disease. Therefore, it has been classified as a Variant of Uncertain Significance.

Ambry Genetics
Classification: Uncertain significance for Inborn genetic diseases. Last evaluated: 2025-03-26. Review status: criteria provided, single submitter. Criteria: Ambry Variant Classification Scheme 2023. Collection method: clinical testing. Allele origin: germline.